The following is an entry in ClinVar:

NM_021815.5(SLC5A7):c.319C>T (p.Arg107Cys)

Gene: SLC5A7 (solute carrier family 5 member 7; plus strand). Cytogenetic location: 2q12.3.
Variant type: single nucleotide variant.
Coding change: c.319C>T on transcript NM_021815.5 (MANE Select); coding-DNA position 319, C replaced by T.
Protein change: p.Arg107Cys; replaces arginine 107 with cysteine.
Molecular consequence: missense variant. On other transcripts: 5 prime UTR variant (1).
Genome position (GRCh38, 1-based): chr2:107,992,998, C>T. VCF-style: chr2-107992998-C-T. GRCh37 (hg19) VCF-style: chr2-108609454-C-T.
Other names: c.319C>T, p.Arg107Cys (NM_001305005.3); c.4C>T, p.Arg2Cys (NM_001305006.3); c.-386C>T (NM_001305007.3); short protein forms R2C, R107C.
Identifiers: ClinVar variation 1036365 (VCV001036365.5), dbSNP rs1265189648, ClinGen allele CA348020718.
Genomic context (GRCh38, chr2:107,992,998, plus strand): 5'-TTTATTTTCTCCTAAACAGTTGCTTAATTTTTAGGTGGCCTGTTCTTTGCAAAACCTATG[C>T]GTTCAAAGGGGTATGTGACCATGTTAGACCCGTTTCAGCAAATCTATGGAAAACGCATGG-3'
Protein context (NP_068587.1, residues 97-117): LGGLFFAKPM[Arg107Cys]SKGYVTMLDP

ClinVar aggregate classification (germline): Uncertain significance (1 of 4 stars; one submission).

Conditions:
Neuronopathy, distal hereditary motor, type 7A. Also called: HARPER-YOUNG MYOPATHY; HMN VIIA; NEURONOPATHY, DISTAL HEREDITARY MOTOR, HARDING TYPE VIIA; NEUROPATHY, DISTAL HEREDITARY MOTOR, HARDING TYPE VIIA; Neuronopathy, distal hereditary motor, autosomal dominant 7; Neuronopathy, distal hereditary motor, type viia. Identifiers: Orphanet 139589, MedGen C1834703, MONDO:0008024, OMIM 158580.
Congenital myasthenic syndrome 20. Also called: Myasthenic syndrome, congenital, 20, presynaptic. Identifiers: MedGen C4310694, MONDO:0014939, OMIM 617143.

Allele frequency attached by ClinVar (database versions not stated): gnomAD exomes below 0.00001; TOPMed below 0.00001; gnomAD 0.00001.
gnomAD v4.1: 2 of 1,613,930 alleles (0.00012%); highest among the groups gnomAD compares: Non-Finnish European, 0.000085%; no homozygotes.

Submission:

Labcorp Genetics (formerly Invitae), Labcorp
Classification: Uncertain significance for Neuronopathy, distal hereditary motor, type 7A; Congenital myasthenic syndrome 20. Last evaluated: 2025-11-05. Review status: criteria provided, single submitter. Criteria: Invitae Variant Classification Sherloc (09022015). Collection method: clinical testing. Allele origin: germline.
Comment: This sequence change replaces arginine, which is basic and polar, with cysteine, which is neutral and slightly polar, at codon 107 of the SLC5A7 protein (p.Arg107Cys). This variant is not present in population databases (gnomAD no frequency). This variant has not been reported in the literature in individuals affected with SLC5A7-related conditions. ClinVar contains an entry for this variant (Variation ID: 1036365). Invitae Evidence Modeling of protein sequence and biophysical properties (such as structural, functional, and spatial information, amino acid conservation, physicochemical variation, residue mobility, and thermodynamic stability) indicates that this missense variant is expected to disrupt SLC5A7 protein function with a positive predictive value of 80%. In summary, the available evidence is currently insufficient to determine the role of this variant in disease. Therefore, it has been classified as a Variant of Uncertain Significance.